The following is an entry in ClinVar:

NM_025176.6(NINL):c.2966G>A (p.Gly989Asp)

Gene: NINL (ninein like; minus strand). Cytogenetic location: 20p11.21.
Variant type: single nucleotide variant.
Coding change: c.2966G>A on transcript NM_025176.6 (MANE Select); coding-DNA position 2966, G replaced by A.
Protein change: p.Gly989Asp; replaces glycine 989 with aspartic acid.
Molecular consequence: missense variant. On other transcripts: intron variant (1).
Genome position (GRCh38, 1-based): chr20:25,476,325, C>T on the plus strand (G>A on the coding strand, the complement: NINL is on the minus strand). VCF-style: chr20-25476325-C-T. GRCh37 (hg19) VCF-style: chr20-25456961-C-T.
Other names: c.2201+2598G>A (NM_001318226.2); short protein forms G989D.
Identifiers: ClinVar variation 5002204 (VCV005002204.1).

ClinVar aggregate classification (germline): Uncertain significance (1 of 4 stars; one submission).

Conditions:
NINL-related disorder. Also called: NINL-related condition.

gnomAD v4.1: 1 of 1,612,936 alleles (0.000062%); highest among the groups gnomAD compares: South Asian, 0.0011%; no homozygotes.

Submission:

PreventionGenetics, part of Exact Sciences
Classification: Uncertain significance for NINL-related condition. Last evaluated: 2024-11-12. Review status: criteria provided, single submitter. Criteria: ACMG Guidelines, 2015. Collection method: clinical testing. Allele origin: germline.
Comment: The NINL c.2966G>A variant is predicted to result in the amino acid substitution p.Gly989Asp. To our knowledge, this variant has not been reported in the literature or in a large population database (gnomAD), indicating this variant is rare. At this time, the clinical significance of this variant is uncertain due to the absence of conclusive functional and genetic evidence.